The following is an entry in ClinVar:

NM_000179.3(MSH6):c.3936_4001+8dup

Gene: MSH6 (mutS homolog 6; plus strand). Cytogenetic location: 2p16.3.
Variant type: Duplication.
Coding change: c.3936_4001+8dup on transcript NM_000179.3 (MANE Select); coding-DNA position 3936 through 8 bases into the intron after coding-DNA position 4001, 74 bases duplicated.
Molecular consequence: splice donor variant.
Genome position (GRCh38, 1-based): chr2:47,806,586-47,806,659, 74 bases duplicated. GRCh37 (hg19): chr2:48,033,725-48,033,798.
Other names: c.3936_4001+8dupTATTCAAAAGGGACATAGAAAAGCAAGAGAATTTGAGAAGATGAATCAGTCACTACGATTATTTCGGTAACTAA (NM_000179.2); c.3030_3095+8dup (NM_001281493.2, NM_001281494.2); c.3546_3611+8dup (NM_001281492.2).
Identifiers: ClinVar variation 663057 (VCV000663057.11), dbSNP rs1572747475, ClinGen allele CA913188048.

ClinVar aggregate classification (germline): Uncertain significance. Review status: criteria provided, multiple submitters, no conflicts (2 of 4 stars). 5 submissions from 5 submitters: Uncertain significance (5). Last evaluated 2025-07-30.

Conditions:
Hereditary cancer-predisposing syndrome. Also called: Neoplastic Syndromes, Hereditary; Tumor predisposition; Hereditary neoplastic syndrome; Hereditary Cancer Syndrome. Identifiers: Orphanet 140162, MedGen C0027672, MeSH D009386, MONDO:0015356.
Mismatch repair cancer syndrome 3. Identifiers: MedGen C5436807, MONDO:0030841, OMIM 619097.
Lynch syndrome. Identifiers: Orphanet 144, MedGen C4552100, MONDO:0005835. Disease mechanism: loss of function.
Hereditary nonpolyposis colorectal neoplasms. Identifiers: MedGen C0009405, MeSH D003123.

Allele frequency attached by ClinVar (database versions not stated): gnomAD exomes below 0.00001.

Submissions (5):

Color Diagnostics, LLC DBA Color Health
Classification: Uncertain significance for Hereditary cancer-predisposing syndrome. Last evaluated: 2025-07-30. Review status: criteria provided, single submitter. Criteria: ACMG Guidelines, 2015. Collection method: clinical testing. Allele origin: germline.
Comment: This variant results in the duplication of 74 nucleotides including the last 66 nucleotides of exon 9 and first 8 nucleotides of intron 9 of the MSH6 gene. Splice site prediction tools suggest that this variant may impact RNA splicing. To our knowledge, functional studies have not been reported for this variant. This variant has been reported in an individual affected with Lynch syndrome, but it did not appear to segregate with disease in the family (PMID: 36612224). This variant has not been identified in the general population by the Genome Aggregation Database (gnomAD). The available evidence is insufficient to determine the role of this variant in disease conclusively. Therefore, this variant is classified as a Variant of Uncertain Significance.

Ambry Genetics
Classification: Uncertain significance for Hereditary cancer-predisposing syndrome. Last evaluated: 2024-02-02. Review status: criteria provided, single submitter. Criteria: Ambry Variant Classification Scheme 2023. Collection method: clinical testing. Allele origin: germline.
Comment: The c.3936_4001+8dup74 variant spans the canonical donor site of coding exon 9 in the MSH6 gene. This variant results from a duplication of 74 nucleotides at positions c.3936 to c.4001+8. The canonical donor site is highly conserved on limited sequence alignment. In silico splice site analysis for this alteration is inconclusive and direct evidence is insufficient at this time (Ambry internal data). Since supporting evidence is limited at this time, the clinical significance of this alteration remains unclear.

All of Us Research Program, National Institutes of Health
Classification: Uncertain significance for Lynch syndrome. Last evaluated: 2023-05-16. Review status: criteria provided, single submitter. Criteria: ACMG Guidelines, 2015. Collection method: clinical testing. Allele origin: germline. Inheritance: Autosomal dominant inheritance. Observed: 1 variant allele, 1 heterozygote.
Comment: This variant results in the duplication of 74 nucleotides including the last 66 nucleotides of exon 9 and first 8 nucleotides of intron 9 of the MSH6 gene. Splice site prediction tools suggest that this variant may impact RNA splicing. To our knowledge, functional studies have not been reported for this variant. This variant has been reported in individuals affected with Lynch syndrome (PMID: 36612224). This variant has not been identified in the general population by the Genome Aggregation Database (gnomAD). The available evidence is insufficient to determine the role of this variant in disease conclusively. Therefore, this variant is classified as a Variant of Uncertain Significance.

This study involves interpretation of variants in research participants for the purpose of population health screening. Participant phenotype was not available at the time of variant classification. Additional details can be found in publication PMID: 35346344, PMCID: PMC8962531

Department of Pathology and Laboratory Medicine, Sinai Health System
Classification: Uncertain significance for Mismatch repair cancer syndrome 3. Last evaluated: 2021-09-22. Review status: criteria provided, single submitter. Criteria: ACMG Guidelines, 2015. Collection method: clinical testing. Allele origin: germline. Affected: yes.

Labcorp Genetics (formerly Invitae), Labcorp
Classification: Uncertain significance for Hereditary nonpolyposis colon cancer. Last evaluated: 2019-01-08. Review status: criteria provided, single submitter. Criteria: Invitae Variant Classification Sherloc (09022015). Collection method: clinical testing. Allele origin: germline.
Comment: This sequence change falls in intron 9 of the MSH6 gene. It does not directly change the encoded amino acid sequence of the MSH6 protein, but it affects a nucleotide within the consensus splice site of the intron. This variant is not present in population databases (ExAC no frequency). This variant has not been reported in the literature in individuals with MSH6-related conditions. Nucleotide substitutions within the consensus splice site are a relatively common cause of aberrant splicing (PMID: 17576681, 9536098). Algorithms developed to predict the effect of sequence changes on RNA splicing suggest that this variant may create or strengthen a splice site, but this prediction has not been confirmed by published transcriptional studies. In summary, the available evidence is currently insufficient to determine the role of this variant in disease. Therefore, it has been classified as a Variant of Uncertain Significance.

Literature cited by the submitters: PubMed 36612224 (cited by Color Diagnostics, LLC DBA Color Health and All of Us Research Program, National Institutes of Health).